The following is an entry in ClinVar:

ClinVar aggregate classification (germline): Pathogenic (1 of 4 stars; one submission).

Submission:

ISCA site 17
Classification: Pathogenic. Last evaluated: 2011-08-12. Review status: criteria provided, single submitter. Criteria: Kaminsky et al. (Genet Med. 2011). Collection method: clinical testing. Allele origin: unknown. Affected: yes. Observed: 1 variant allele.
Comment: Copy number variation identified through the course of routine clinical cytogenomic testing in postnatal populations. Clinical assertions have been curated as described in Kaminsky et al. 2011.

GRCh38/hg38 Xp11.22-11.21(chrX:51664377-58055036)x3

Genes: ALAS2 (5'-aminolevulinate synthase 2; minus strand), APEX2 (apurinic/apyrimidinic endodeoxyribonuclease 2; plus strand), CENPVL1 (centromere protein V like 1; plus strand), CENPVL2 (centromere protein V like 2; minus strand), FAAH2 (fatty acid amide hydrolase 2; plus strand) and 159 more. Cytogenetic location: Xp11.22-11.21.
Variant type: copy number gain.
Change: copy number 3 of chrX:51,664,377-58,055,036 (6.39 Mb, GRCh38 coordinates, 1-based), cytogenetic band Xp11.22-11.21.
Identifiers: ClinVar variation 58617 (VCV000058617.1).